The following is an entry in ClinVar:

ClinVar aggregate classification (germline): Uncertain significance (1 of 4 stars; one submission).

Conditions:
SIX3-related disorder. Also called: SIX3-related condition; SIX3-Related Disorders.

Submission:

PreventionGenetics, part of Exact Sciences
Classification: Uncertain significance for SIX3-related condition. Last evaluated: 2023-03-21. Review status: criteria provided, single submitter. Criteria: ACMG Guidelines, 2015. Collection method: clinical testing. Allele origin: germline.
Comment: The SIX3 c.388T>C variant is predicted to result in the amino acid substitution p.Ser130Pro. To our knowledge, this variant has not been reported in the literature or in a large population database, indicating this variant is rare. At this time, the clinical significance of this variant is uncertain due to the absence of conclusive functional and genetic evidence.

NM_005413.4(SIX3):c.388T>C (p.Ser130Pro)

Gene: SIX3 (SIX homeobox 3; plus strand). Cytogenetic location: 2p21.
Variant type: single nucleotide variant.
Coding change: c.388T>C on transcript NM_005413.4 (MANE Select); coding-DNA position 388, T replaced by C.
Protein change: p.Ser130Pro; replaces serine 130 with proline.
Molecular consequence: missense variant.
Genome position (GRCh38, 1-based): chr2:44,942,492, T>C. VCF-style: chr2-44942492-T-C. GRCh37 (hg19) VCF-style: chr2-45169631-T-C.
Other names: short protein forms S130P.
Identifiers: ClinVar variation 2633570 (VCV002633570.1), dbSNP rs2466514039, ClinGen allele CA346799471.